The following is an entry in ClinVar:

NM_000355.4(TCN2):c.1043C>G (p.Ser348Cys)

Gene: TCN2 (transcobalamin 2; plus strand). Cytogenetic location: 22q12.2.
Variant type: single nucleotide variant.
Coding change: c.1043C>G on transcript NM_000355.4 (MANE Select); coding-DNA position 1043, C replaced by G.
Protein change: p.Ser348Cys; replaces serine 348 with cysteine.
Molecular consequence: missense variant.
Genome position (GRCh38, 1-based): chr22:30,617,432, C>G. VCF-style: chr22-30617432-C-G. GRCh37 (hg19) VCF-style: chr22-31013419-C-G.
Other names: c.962C>G, p.Ser321Cys (NM_001184726.2); short protein forms S321C, S348C.
Identifiers: ClinVar variation 845661 (VCV000845661.7), dbSNP rs9621049, ClinGen allele CA411215535.

ClinVar aggregate classification (germline): Uncertain significance (1 of 4 stars; one submission).

Conditions:
Transcobalamin II deficiency (TCN2D). Also called: TC II DEFICIENCY; TCN2 DEFICIENCY; Transcolabamin II deficiency. Identifiers: Orphanet 859, MedGen C0342701, MONDO:0010149, OMIM 275350.

Submission:

Labcorp Genetics (formerly Invitae), Labcorp
Classification: Uncertain significance for Transcobalamin II deficiency. Last evaluated: 2021-09-02. Review status: criteria provided, single submitter. Criteria: Invitae Variant Classification Sherloc (09022015). Collection method: clinical testing. Allele origin: germline.
Comment: This sequence change replaces serine with cysteine at codon 348 of the TCN2 protein (p.Ser348Cys). The serine residue is moderately conserved and there is a moderate physicochemical difference between serine and cysteine. This variant is not present in population databases (ExAC no frequency). This variant has not been reported in the literature in individuals affected with TCN2-related conditions. Algorithms developed to predict the effect of missense changes on protein structure and function (SIFT, PolyPhen-2, Align-GVGD) all suggest that this variant is likely to be tolerated. In summary, the available evidence is currently insufficient to determine the role of this variant in disease. Therefore, it has been classified as a Variant of Uncertain Significance.